The following is an entry in ClinVar:

NM_001387691.1(POM121):c.2727G>A (p.Thr909=)

Gene: POM121 (POM121 transmembrane nucleoporin; plus strand). Cytogenetic location: 7q11.23.
Variant type: single nucleotide variant.
Coding change: c.2727G>A on transcript NM_001387691.1 (MANE Select); coding-DNA position 2727, G replaced by A.
Protein change: p.Thr909=; no amino-acid change (threonine 909 retained).
Molecular consequence: synonymous variant.
Genome position (GRCh38, 1-based): chr7:72,942,720, G>A. VCF-style: chr7-72942720-G-A. GRCh37 (hg19) VCF-style: chr7-72413259-G-A.
Other names: c.1932G>A, p.Thr644= (NM_001257190.3, NM_001387685.1, NM_001387686.1 and 10 more transcripts); c.1755G>A, p.Thr585= (NM_001367610.1, NM_001387701.1, NM_001387702.1 and 2 more transcripts); c.2550G>A, p.Thr850= (NM_001387692.1); c.2439G>A, p.Thr813= (NM_001387693.1); c.1950G>A, p.Thr650= (NM_001387694.1); c.1644G>A, p.Thr548= (NM_001387705.1).
Identifiers: ClinVar variation 4872962 (VCV004872962.2).
Genomic context (GRCh38, chr7:72,942,720, plus strand): 5'-CTTGCCCACAACCACCACAGTCACCACCTTCAGCCAGTCCCTGCACACTGCCGTGCCAAC[G>A]GCCACCAGCAGCAGCGCTGCCGACTTTAGTGGTTTTGGCAGCACCCTCGCCACCTCCGCC-3'
Protein context (NP_001374620.1, residues 899-919): FSQSLHTAVP[Thr909=]ATSSSAADFS

ClinVar aggregate classification (germline): Likely benign (1 of 4 stars; one submission).

Submission:

CeGaT Center for Human Genetics Tuebingen
Classification: Likely benign. Last evaluated: 2026-06-01. Review status: criteria provided, single submitter. Criteria: CeGaT Center For Human Genetics Tuebingen Variant Classification Criteria Version 2. Collection method: clinical testing. Allele origin: germline. Affected: yes. Observed: 1 variant allele.
Comment: POM121: BP4, BP7